The following is an entry in ClinVar:

ClinVar aggregate classification (germline): Uncertain significance. Review status: criteria provided, multiple submitters, no conflicts (2 of 4 stars). 2 submissions from 2 submitters: Uncertain significance (2). Last evaluated 2025-08-07.

Conditions:
Inborn genetic diseases. Identifiers: MedGen C0950123, MeSH D030342.
Multiple congenital anomalies-hypotonia-seizures syndrome 2 (MCAHS2). Also called: EPILEPTIC ENCEPHALOPATHY, EARLY INFANTILE, 20; GLYCOSYLPHOSPHATIDYLINOSITOL BIOSYNTHESIS DEFECT 4. Identifiers: Orphanet 300496, MedGen C3275508, MONDO:0010466, OMIM 300868.

Allele frequency attached by ClinVar (database versions not stated): TOPMed 0.00001.

Submissions (2):

Ambry Genetics
Classification: Uncertain significance for Inborn genetic diseases. Last evaluated: 2025-08-07. Review status: criteria provided, single submitter. Criteria: Ambry Variant Classification Scheme 2023. Collection method: clinical testing. Allele origin: germline.

Labcorp Genetics (formerly Invitae), Labcorp
Classification: Uncertain significance for Multiple congenital anomalies-hypotonia-seizures syndrome 2. Last evaluated: 2022-09-07. Review status: criteria provided, single submitter. Criteria: Invitae Variant Classification Sherloc (09022015). Collection method: clinical testing. Allele origin: germline.
Comment: This variant is not present in population databases (gnomAD no frequency). This variant has not been reported in the literature in individuals affected with PIGA-related conditions. Algorithms developed to predict the effect of missense changes on protein structure and function (SIFT, PolyPhen-2, Align-GVGD) all suggest that this variant is likely to be tolerated. In summary, the available evidence is currently insufficient to determine the role of this variant in disease. Therefore, it has been classified as a Variant of Uncertain Significance. This sequence change replaces leucine, which is neutral and non-polar, with isoleucine, which is neutral and non-polar, at codon 25 of the PIGA protein (p.Leu25Ile).

NM_002641.4(PIGA):c.73C>A (p.Leu25Ile)

Gene: PIGA (phosphatidylinositol glycan anchor biosynthesis class A; minus strand). Cytogenetic location: Xp22.2.
Variant type: single nucleotide variant.
Coding change: c.73C>A on transcript NM_002641.4 (MANE Select); coding-DNA position 73, C replaced by A.
Protein change: p.Leu25Ile; replaces leucine 25 with isoleucine.
Molecular consequence: missense variant. On other transcripts: non-coding transcript variant (1), intron variant (1).
Genome position (GRCh38, 1-based): chrX:15,331,858, G>T on the plus strand (C>A on the coding strand, the complement: PIGA is on the minus strand). VCF-style: chrX-15331858-G-T. GRCh37 (hg19) VCF-style: chrX-15349980-G-T.
Other names: c.13+3643C>A (NM_020473.3); short protein forms L25I.
Identifiers: ClinVar variation 1935034 (VCV001935034.6), dbSNP rs1922173198, ClinGen allele CA412341352.
Genomic context (GRCh38, chrX:15,331,858, plus strand): 5'-TTGGGTAGAAAAAGTCAGATACCATGCATATATTATGGGTACGGGTTCTACATGTGTAAA[G>T]ACTTCCAGGGCTAACCCGAGAGAGTGTAGCTGAGGCACGGTGGCCATTCCCAGCTCCTCC-3'
Protein context (NP_002632.1, residues 15-35): ATLSRVSPGS[Leu25Ile]YTCRTRTHNI